The following is an entry in ClinVar:

ClinVar aggregate classification (germline): Conflicting classifications of pathogenicity. Review status: criteria provided, conflicting classifications (1 of 4 stars). 2 submissions from 2 submitters: Pathogenic (1); Uncertain significance (1). Last evaluated 2025-01-29.

Conditions:
Cardiomyopathy (CMYO). Also called: Cardiomyopathies. Identifiers: Orphanet 167848, MedGen C0878544, MONDO:0004994, HP:0001638. Inheritance: Various modes of inheritance.
Hypertrophic cardiomyopathy. Also called: HYPERTROPHIC MYOCARDIOPATHY. Identifiers: Orphanet 217569, MedGen C0007194, MeSH D002312, MONDO:0005045, HP:0001639.

Submissions (2):

Labcorp Genetics (formerly Invitae), Labcorp
Classification: Pathogenic for Hypertrophic cardiomyopathy. Last evaluated: 2025-01-29. Review status: criteria provided, single submitter. Criteria: Invitae Variant Classification Sherloc (09022015). Collection method: clinical testing. Allele origin: germline.
Comment: This sequence change creates a premature translational stop signal (p.Lys38Asnfs*12) in the TNNI3 gene. It is expected to result in an absent or disrupted protein product. Loss-of-function variants in TNNI3 are known to be pathogenic (PMID: 31568572, 34036930, 35838873). This variant is not present in population databases (gnomAD no frequency). This variant has not been reported in the literature in individuals affected with TNNI3-related conditions. ClinVar contains an entry for this variant (Variation ID: 1020390). For these reasons, this variant has been classified as Pathogenic.

Color Diagnostics, LLC DBA Color Health
Classification: Uncertain significance for Cardiomyopathy. Last evaluated: 2023-07-06. Review status: criteria provided, single submitter. Criteria: ACMG Guidelines, 2015. Collection method: clinical testing. Allele origin: germline.
Comment: This variant deletes 1 nucleotide in exon 4 of the TNNI3 gene, creating a frameshift and premature translation stop signal. This variant is expected to result in an absent or non-functional protein product. To our knowledge, this variant has not been reported in individuals affected with TNNI3-related disorders in the literature. This variant has not been identified in the general population by the Genome Aggregation Database (gnomAD). Clinical relevance of loss-of-function TNNI3 truncation variants in autosomal dominant cardiovascular disorders is not clearly established. The available evidence is insufficient to determine the role of this variant in disease conclusively. Therefore, this variant is classified as a Variant of Uncertain Significance.

Literature cited by the submitters: PubMed 31568572 (cited by Labcorp Genetics (formerly Invitae), Labcorp); PubMed 34036930 (cited by Labcorp Genetics (formerly Invitae), Labcorp); PubMed 35838873 (cited by Labcorp Genetics (formerly Invitae), Labcorp).

NM_000363.5(TNNI3):c.114del (p.Lys38fs)

Gene: TNNI3 (troponin I3, cardiac type; minus strand). Cytogenetic location: 19q13.42.
Variant type: Deletion.
Coding change: c.114del on transcript NM_000363.5 (MANE Select); coding-DNA position 114, one base deleted (A; older notation c.114delA).
Protein change: p.Lys38fs; shifts the reading frame from lysine 38.
Molecular consequence: frameshift variant.
Genome position (GRCh38, 1-based): chr19:55,156,639, T deleted on the plus strand (A on the coding strand, the reverse complement: TNNI3 is on the minus strand); the first of 6 consecutive T bases (chr19:55,156,639-55,156,644); deleting any one gives the same sequence. VCF-style (leftmost placement, unchanged base first): chr19-55156638-AT-A. GRCh37 (hg19) VCF-style: chr19-55668006-AT-A.
Other names: short protein forms K38fs.
Identifiers: ClinVar variation 1020390 (VCV001020390.9), dbSNP rs772607683, ClinGen allele CA633871891.